The following is an entry in ClinVar:

NC_000011.9:g.(?_108156909)_(108160359_?)del

Gene: ATM (ATM serine/threonine kinase; plus strand). Cytogenetic location: 11q22.3.
Variant type: Deletion.
Identifiers: ClinVar variation 3244511 (VCV003244511.1).

ClinVar aggregate classification (germline): Pathogenic (1 of 4 stars; one submission).

Conditions:
Ataxia-telangiectasia syndrome (AT). Also called: LOUIS-BAR SYNDROME; Cerebello-oculocutaneous telangiectasia; Immunodeficiency with ataxia telangiectasia; AT, COMPLEMENTATION GROUP C; Ataxia-telangiectasia, complementation group D; ATAXIA-TELANGIECTASIA, COMPLEMENTATION GROUP A. Identifiers: Orphanet 100, MedGen C0004135, MONDO:0008840, OMIM 208900.

Submission:

Labcorp Genetics (formerly Invitae), Labcorp
Classification: Pathogenic for Ataxia-telangiectasia syndrome. Last evaluated: 2022-09-18. Review status: criteria provided, single submitter. Criteria: Invitae Variant Classification Sherloc (09022015). Collection method: clinical testing. Allele origin: unknown.
Comment: For these reasons, this variant has been classified as Pathogenic. This variant is also known as IVS28+1711del3450 and c.3994-1415_4270del, and has been described as a deletion of exons 29-30 and part of exon 31 in the literature. Exons 27, 28 and 29 are also known as exons 29, 30 and 31. A similar copy number variant has been observed in individuals with autosomal recessive ataxia-telangiectasia (PMID: 12815592). This variant results in the deletion of 27-28 and part of exon 29 (c.3994-1418_4267del) of the ATM gene.

Literature cited by the submitters: PubMed 12815592.